The following is an entry in ClinVar:

ClinVar aggregate classification (germline): Uncertain significance (1 of 4 stars; one submission).

Conditions:
Atrioventricular septal defect 5 (AVSD5). Identifiers: MedGen C3280939, MONDO:0013769, OMIM 614474.

Submission:

Labcorp Genetics (formerly Invitae), Labcorp
Classification: Uncertain significance for Atrioventricular septal defect 5. Last evaluated: 2025-05-22. Review status: criteria provided, single submitter. Criteria: Invitae Variant Classification Sherloc (09022015). Collection method: clinical testing. Allele origin: germline.
Comment: This variant, c.880_882dup, results in the insertion of 1 amino acid(s) of the GATA6 protein (p.Ser294dup), but otherwise preserves the integrity of the reading frame. This variant is not present in population databases (gnomAD no frequency). This variant has not been reported in the literature in individuals affected with GATA6-related conditions. In summary, the available evidence is currently insufficient to determine the role of this variant in disease. Therefore, it has been classified as a Variant of Uncertain Significance.

NM_005257.6(GATA6):c.880_882dup (p.Ser294_Gly295insSer)

Gene: GATA6 (GATA binding protein 6; plus strand). Cytogenetic location: 18q11.2.
Variant type: Duplication.
Coding change: c.880_882dup on transcript NM_005257.6 (MANE Select); coding-DNA positions 880 to 882, 3 bases duplicated (AGC; older notation c.880_882dupAGC).
Protein change: p.Ser294_Gly295insSer.
Molecular consequence: inframe insertion.
Genome position (GRCh38, 1-based): chr18:22,172,024-22,172,026, AGC duplicated. VCF-style (leftmost placement, unchanged base first): chr18-22172023-G-GAGC. GRCh37 (hg19) VCF-style: chr18-19751984-G-GAGC.
Identifiers: ClinVar variation 4719947 (VCV004719947.1).